The following is an entry in ClinVar:

NM_007194.4(CHEK2):c.387G>A (p.Leu129=)

Gene: CHEK2 (checkpoint kinase 2; minus strand). Cytogenetic location: 22q12.1.
Variant type: single nucleotide variant.
Coding change: c.387G>A on transcript NM_007194.4 (MANE Select); coding-DNA position 387, G replaced by A.
Protein change: p.Leu129=; no amino-acid change (leucine 129 retained).
Molecular consequence: synonymous variant.
Genome position (GRCh38, 1-based): chr22:28,725,300, C>T on the plus strand (G>A on the coding strand, the complement: CHEK2 is on the minus strand). VCF-style: chr22-28725300-C-T. GRCh37 (hg19) VCF-style: chr22-29121288-C-T.
Other names: c.516G>A, p.Leu172= (NM_001005735.3); c.-391G>A (NM_001257387.3); c.387G>A, p.Leu129= (NM_001349956.3, NM_145862.3).
Identifiers: ClinVar variation 230116 (VCV000230116.18), dbSNP rs560046142, ClinGen allele CA10581101.

ClinVar aggregate classification (germline): Benign/Likely benign. Review status: criteria provided, multiple submitters, no conflicts (2 of 4 stars). 3 submissions from 3 submitters: Benign (1); Likely benign (2). Last evaluated 2025-08-13.

Conditions:
Hereditary cancer-predisposing syndrome. Also called: Hereditary neoplastic syndrome; Hereditary Cancer Syndrome; Neoplastic Syndromes, Hereditary; Tumor predisposition. Identifiers: Orphanet 140162, MedGen C0027672, MeSH D009386, MONDO:0015356.
Familial cancer of breast. Also called: Hereditary breast cancer; BREAST CANCER, FAMILIAL; hereditary breast carcinoma. Identifiers: Orphanet 227535, MedGen C0346153, MONDO:0016419, OMIM 114480. Disease mechanism: loss of function.

Allele frequency attached by ClinVar (database versions not stated): gnomAD 0.00001.
gnomAD v4.1: 2 of 1,614,088 alleles (0.00012%); highest among the groups gnomAD compares: East Asian, 0.0022%; no homozygotes.

Submissions (3):

Labcorp Genetics (formerly Invitae), Labcorp
Classification: Likely benign for Familial cancer of breast. Last evaluated: 2025-08-13. Review status: criteria provided, single submitter. Criteria: Invitae Variant Classification Sherloc (09022015). Collection method: clinical testing. Allele origin: germline.

Myriad Genetics, Inc.
Classification: Benign for Familial cancer of breast. Last evaluated: 2024-10-02. Review status: criteria provided, single submitter. Criteria: Myriad Autosomal Dominant, Autosomal Recessive and X-Linked Classification Criteria (2023). Collection method: clinical testing. Allele origin: unknown.
Comment: This variant is considered benign. This variant is a silent/synonymous amino acid change and it is not expected to impact splicing.

Ambry Genetics
Classification: Likely benign for Hereditary cancer-predisposing syndrome. Last evaluated: 2015-01-26. Review status: criteria provided, single submitter. Criteria: Ambry Variant Classification Scheme 2023. Collection method: clinical testing. Allele origin: germline.